The following is an entry in ClinVar:

NM_016222.4(DDX41):c.1077_1078dup (p.Thr360fs)

Gene: DDX41 (DEAD-box helicase 41; minus strand). Cytogenetic location: 5q35.3.
Variant type: Duplication.
Coding change: c.1077_1078dup on transcript NM_016222.4 (MANE Select); coding-DNA positions 1077 to 1078, 2 bases duplicated (TA; older notation c.1077_1078dupTA).
Protein change: p.Thr360fs; shifts the reading frame from threonine 360.
Molecular consequence: frameshift variant.
Genome position (GRCh38, 1-based): chr5:177,513,705-177,513,706, TA duplicated on the plus strand (TA on the coding strand, the reverse complement: DDX41 is on the minus strand). VCF-style (leftmost placement, unchanged base first): chr5-177513704-G-GTA. GRCh37 (hg19) VCF-style: chr5-176940705-G-GTA.
Other names: c.699_700dup, p.Thr234fs (NM_001321732.2, NM_001321830.2); short protein forms T234fs, T360fs.
Identifiers: ClinVar variation 5019702 (VCV005019702.2).
Genomic context (GRCh38, chr5:177,513,704, plus strand): 5'-GGGGGGCGGTGCAGGGTGCCCTGGCCGGGCGGGGGCGGCACCTTGAAGTAGGAGAAGATG[G>GTA]TACGGATGTCACCCTCGAAGCCCATGTCGATCATGCGGTCAGCCTCGTCCAGGGCCAGGT-3'

ClinVar aggregate classification (germline): Pathogenic (1 of 4 stars; one submission).

Conditions:
DDX41-related hematologic malignancy predisposition syndrome. Also called: DDX41-Associated Familial Myelodysplastic Syndrome and Acute Myeloid Leukemia; Myeloproliferative/lymphoproliferative neoplasms, familial (multiple types), susceptibility to. Identifiers: Orphanet 488647, MedGen C4225174, MONDO:0014809, OMIM 616871.

Submission:

Juno Genomics, Hangzhou Juno Genomics, Inc
Classification: Pathogenic for DDX41-related hematologic malignancy predisposition syndrome. Review status: criteria provided, single submitter. Criteria: ACMG Guidelines, 2015. Collection method: clinical testing. Allele origin: germline.
Comment: Absent from controls (or at extremely low frequency if recessive) in Genome Aggregation Database.;Null variant in a gene where loss of function (LOF) is a known mechanism of disease.;The prevalence of the variant in affected individuals is significantly increased compared to the prevalence in controls.